The following is an entry in ClinVar:

NM_139058.3(ARX):c.611G>A (p.Arg204His)

Gene: ARX (aristaless related homeobox; minus strand). Cytogenetic location: Xp21.3.
Variant type: single nucleotide variant.
Coding change: c.611G>A on transcript NM_139058.3 (MANE Select); coding-DNA position 611, G replaced by A.
Protein change: p.Arg204His; replaces arginine 204 with histidine.
Molecular consequence: missense variant.
Genome position (GRCh38, 1-based): chrX:25,013,384, C>T on the plus strand (G>A on the coding strand, the complement: ARX is on the minus strand). VCF-style: chrX-25013384-C-T. GRCh37 (hg19) VCF-style: chrX-25031501-C-T.
Other names: short protein forms R204H.
Identifiers: ClinVar variation 520998 (VCV000520998.17), dbSNP rs755745002, ClinGen allele CA10373892.

ClinVar aggregate classification (germline): Conflicting classifications of pathogenicity. Review status: criteria provided, conflicting classifications (1 of 4 stars). 3 submissions from 3 submitters: Uncertain significance (1); Likely benign (1). 1 of the submissions does not count toward it. Last evaluated 2024-10-05.

Conditions:
Developmental and epileptic encephalopathy, 1 (DEE1). Also called: X-linked infantile spasms; West's syndrome; Tonic spasms with clustering, arrest of psychomotor development and hypsarrhythmia on EEG; X-Linked Infantile Spasm Syndrome; OHTAHARA SYNDROME, X-LINKED; Epileptic encephalopathy, early infantile, 1. Identifiers: MedGen C3463992, MONDO:0010632, OMIM 308350. Disease mechanism: loss of function.
Intellectual disability, X-linked, with or without seizures, ARX-related. Also called: Mental retardation, X-linked 52; INTELLECTUAL DEVELOPMENTAL DISORDER, X-LINKED 29; MENTAL RETARDATION, X-LINKED 29; MENTAL RETARDATION, X-LINKED 32; MENTAL RETARDATION, X-LINKED 33; MENTAL RETARDATION, X-LINKED 38. Identifiers: Orphanet 777, MedGen C0796244, MONDO:0010317, OMIM 300419.
ARX-related disorder. Also called: ARX-Related Disorders; ARX-related condition. Identifiers: MedGen CN378769.
Inborn genetic diseases. Identifiers: MedGen C0950123, MeSH D030342.

Allele frequency attached by ClinVar (database versions not stated): gnomAD 0.00001; TOPMed 0.00004; gnomAD exomes 0.00014; ExAC 0.00018.
gnomAD v4.1: 44 of 1,125,663 alleles (0.0039%); highest among the groups gnomAD compares: Non-Finnish European, 0.0016%; no homozygotes.

Submissions (3):

Labcorp Genetics (formerly Invitae), Labcorp
Classification: Likely benign for Developmental and epileptic encephalopathy, 1; Intellectual disability, X-linked, with or without seizures, ARX-related. Last evaluated: 2024-10-05. Review status: criteria provided, single submitter. Criteria: Invitae Variant Classification Sherloc (09022015). Collection method: clinical testing. Allele origin: germline.

Ambry Genetics
Classification: Uncertain significance for Inborn genetic diseases. Last evaluated: 2016-03-14. Review status: criteria provided, single submitter. Criteria: Ambry exome assertion method (8-5-2015). Collection method: clinical testing. Allele origin: germline. Affected: yes. Observed: 1 variant allele.

PreventionGenetics, part of Exact Sciences
Classification: Likely benign for ARX-related condition. Last evaluated: 2023-05-30. Review status: no assertion criteria provided. Collection method: clinical testing. Allele origin: germline. Not counted in ClinVar's aggregate classification.
Comment: This variant is classified as likely benign based on ACMG/AMP sequence variant interpretation guidelines (Richards et al. 2015 PMID: 25741868, with internal and published modifications).